The following is an entry in ClinVar:

ClinVar aggregate classification (germline): Uncertain significance. Review status: criteria provided, multiple submitters, no conflicts (2 of 4 stars). 3 submissions from 3 submitters: Uncertain significance (3). Last evaluated 2025-06-18.

Conditions:
Hereditary cancer-predisposing syndrome. Also called: Neoplastic Syndromes, Hereditary; Tumor predisposition; Hereditary Cancer Syndrome; Hereditary neoplastic syndrome. Identifiers: Orphanet 140162, MedGen C0027672, MeSH D009386, MONDO:0015356.
Hereditary pheochromocytoma and paraganglioma. Also called: Hereditary paragangliomas and pheochromocytomas; Hereditary Paraganglioma-Pheochromocytoma Syndromes; Hereditary pheochromocytoma-paraganglioma. Identifiers: Orphanet 29072, MedGen C4274332, MONDO:0017366.
Paragangliomas with sensorineural hearing loss. Identifiers: MedGen C1868633.
Pheochromocytoma. Also called: MAX-Related Hereditary Paraganglioma-Pheochromocytoma Syndrome. Identifiers: Orphanet 29072, MedGen C0031511, MONDO:0008233, OMIM 171300, HP:0002666.
Carney-Stratakis syndrome. Also called: PARAGANGLIOMA AND GASTROINTESTINAL STROMAL TUMOR. Identifiers: Orphanet 97286, MedGen C1847319, MONDO:0011740, OMIM 606864.
Cowden syndrome 3 (CWS3). Identifiers: Orphanet 201, MedGen CN166604, MONDO:0014045.

Allele frequency attached by ClinVar (database versions not stated): gnomAD exomes below 0.00001; TOPMed 0.00001.

Submissions (3):

Ambry Genetics
Classification: Uncertain significance for Hereditary cancer-predisposing syndrome. Last evaluated: 2025-06-18. Review status: criteria provided, single submitter. Criteria: Ambry Variant Classification Scheme 2023. Collection method: clinical testing. Allele origin: germline.
Comment: The p.I49V variant (also known as c.145A>G), located in coding exon 2 of the SDHD gene, results from an A to G substitution at nucleotide position 145. The isoleucine at codon 49 is replaced by valine, an amino acid with highly similar properties. This amino acid position is well conserved in available vertebrate species. In addition, the in silico prediction for this alteration is inconclusive. Based on the available evidence, the clinical significance of this variant remains unclear.

All of Us Research Program, National Institutes of Health
Classification: Uncertain significance for Hereditary pheochromocytoma and paraganglioma. Last evaluated: 2024-06-17. Review status: criteria provided, single submitter. Criteria: ACMG Guidelines, 2015. Collection method: clinical testing. Allele origin: germline. Inheritance: Autosomal dominant inheritance. Observed: 1 variant allele, 1 heterozygote.
Comment: This missense variant replaces isoleucine with valine at codon 49 of the SDHD protein. Computational prediction is inconclusive regarding the impact of this variant on protein structure and function. To our knowledge, functional studies have not been reported for this variant. This variant has not been reported in individuals affected with SDHD-related disorders in the literature. This variant has not been identified in the general population by the Genome Aggregation Database (gnomAD). The available evidence is insufficient to determine the role of this variant in disease conclusively. Therefore, this variant is classified as a Variant of Uncertain Significance.

This study involves interpretation of variants in research participants for the purpose of population health screening. Participant phenotype was not available at the time of variant classification. Additional details can be found in publication PMID: 35346344, PMCID: PMC8962531

Labcorp Genetics (formerly Invitae), Labcorp
Classification: Uncertain significance for Carney-Stratakis syndrome; Paragangliomas with sensorineural hearing loss; Pheochromocytoma; Cowden syndrome 3. Last evaluated: 2023-08-17. Review status: criteria provided, single submitter. Criteria: Invitae Variant Classification Sherloc (09022015). Collection method: clinical testing. Allele origin: germline.
Comment: In summary, the available evidence is currently insufficient to determine the role of this variant in disease. Therefore, it has been classified as a Variant of Uncertain Significance. Algorithms developed to predict the effect of missense changes on protein structure and function output the following: SIFT: "Not Available"; PolyPhen-2: "Benign"; Align-GVGD: "Not Available". The valine amino acid residue is found in multiple mammalian species, which suggests that this missense change does not adversely affect protein function. This variant has not been reported in the literature in individuals affected with SDHD-related conditions. This variant is not present in population databases (gnomAD no frequency). This sequence change replaces isoleucine, which is neutral and non-polar, with valine, which is neutral and non-polar, at codon 49 of the SDHD protein (p.Ile49Val).

NM_003002.4(SDHD):c.145A>G (p.Ile49Val)

Gene: SDHD (succinate dehydrogenase complex subunit D; plus strand). Cytogenetic location: 11q23.1.
Variant type: single nucleotide variant.
Coding change: c.145A>G on transcript NM_003002.4 (MANE Select); coding-DNA position 145, A replaced by G.
Protein change: p.Ile49Val; replaces isoleucine 49 with valine.
Molecular consequence: missense variant. On other transcripts: non-coding transcript variant (1), intron variant (1).
Genome position (GRCh38, 1-based): chr11:112,087,949, A>G. VCF-style: chr11-112087949-A-G. GRCh37 (hg19) VCF-style: chr11-111958673-A-G.
Other names: c.145A>G, p.Ile49Val (NM_001276503.2, NM_001276506.2); c.53-918A>G (NM_001276504.2); c.145A>G (NM_003002.2); short protein forms I49V.
Identifiers: ClinVar variation 2938501 (VCV002938501.5), dbSNP rs201949108, ClinGen allele CA228551124.